The following is an entry in ClinVar:

ClinVar aggregate classification (germline): Benign/Likely benign. Review status: criteria provided, multiple submitters, no conflicts (2 of 4 stars). 9 submissions from 9 submitters: Benign (7); Likely benign (1). 1 of the submissions does not count toward it. Last evaluated 2026-05-04.

Conditions:
Plasma factor XI deficiency.
Hereditary factor XI deficiency disease. Also called: Congenital factor XI deficiency; PLASMA THROMBOPLASTIN ANTECEDENT DEFICIENCY; PTA DEFICIENCY; ROSENTHAL SYNDROME. Identifiers: Orphanet 329, MedGen C0015523, MeSH D005173, MONDO:0012897, OMIM 612416.

Allele frequency attached by ClinVar (database versions not stated): gnomAD exomes 0.14477 and 0.14900; ExAC 0.15412; TOPMed 0.15777; gnomAD 0.16184 and 0.16228; ESP Exome Variant Server 0.16692; 1000 Genomes Project 0.16933; 1000 Genomes Project 30x 0.17192.
gnomAD v4.1: 236,686 of 1,614,012 alleles (15%); highest among the groups gnomAD compares: South Asian, 22%; 18,427 homozygotes.

Submissions (9):

Women's Health and Genetics/Laboratory Corporation of America, LabCorp
Classification: Benign. Last evaluated: 2026-05-04. Review status: criteria provided, single submitter. Criteria: LabCorp Variant Classification Summary - May 2015. Collection method: clinical testing. Allele origin: germline.

Labcorp Genetics (formerly Invitae), Labcorp
Classification: Benign. Last evaluated: 2026-02-04. Review status: criteria provided, single submitter. Criteria: Invitae Variant Classification Sherloc (09022015). Collection method: clinical testing. Allele origin: germline.

Blueprint Genetics
Classification: Likely benign. Last evaluated: 2024-11-26. Review status: criteria provided, single submitter. Criteria: ACMG Guidelines, 2015. Collection method: clinical testing. Allele origin: germline.

Mayo Clinic Laboratories, Mayo Clinic
Classification: Benign. Last evaluated: 2022-05-26. Review status: criteria provided, single submitter. Criteria: ACMG Guidelines, 2015. Collection method: clinical testing. Allele origin: germline. Observed: 62 variant alleles.
Comment: BA1, BS1, BS2, BP7

Genome-Nilou Lab
Classification: Benign for Hereditary factor XI deficiency disease. Last evaluated: 2021-07-10. Review status: criteria provided, single submitter. Criteria: ACMG Guidelines, 2015. Collection method: clinical testing. Allele origin: germline. Affected: no.

Illumina Laboratory Services, Illumina
Classification: Benign for Hereditary factor XI deficiency disease. Last evaluated: 2018-01-12. Review status: criteria provided, single submitter. Criteria: ICSL Variant Classification Criteria 13 December 2019. Collection method: clinical testing. Allele origin: germline.
Comment: This variant was observed in the ICSL laboratory as part of a predisposition screen in an ostensibly healthy population. It had not been previously curated by ICSL or reported in the Human Gene Mutation Database (HGMD: prior to June 1st, 2018), and was therefore a candidate for classification through an automated scoring system. Utilizing variant allele frequency, disease prevalence and penetrance estimates, and inheritance mode, an automated score was calculated to assess if this variant is too frequent to cause the disease. Based on the score and internal cut-off values, a variant classified as benign is not then subjected to further curation. The score for this variant resulted in a classification of benign for this disease.

Breakthrough Genomics
Classification: Benign. Review status: criteria provided, single submitter. Criteria: ACMG Guidelines, 2015. Collection method: not provided. Allele origin: germline. Inheritance: Unknown mechanism. Affected: yes.

PreventionGenetics, part of Exact Sciences
Classification: Benign. Review status: criteria provided, single submitter. Criteria: ACMG Guidelines, 2015. Collection method: clinical testing. Allele origin: germline.

Natera, Inc.
Classification: Benign for Plasma factor XI deficiency. Last evaluated: 2019-11-20. Review status: no assertion criteria provided. Collection method: clinical testing. Allele origin: germline. Not counted in ClinVar's aggregate classification.

NM_000128.4(F11):c.1191T>C (p.Gly397=)

Gene: F11 (coagulation factor XI; plus strand). Cytogenetic location: 4q35.2.
Variant type: single nucleotide variant.
Coding change: c.1191T>C on transcript NM_000128.4 (MANE Select); coding-DNA position 1191, T replaced by C.
Protein change: p.Gly397=; no amino-acid change (glycine 397 retained).
Molecular consequence: synonymous variant.
Genome position (GRCh38, 1-based): chr4:186,284,147, T>C. VCF-style: chr4-186284147-T-C. GRCh37 (hg19) VCF-style: chr4-187205301-T-C.
Other names: p.Gly397=.
Identifiers: ClinVar variation 255176 (VCV000255176.22), dbSNP rs5970, ClinGen allele CA3163915.